The following is an entry in ClinVar:

ClinVar aggregate classification (germline): Pathogenic/Likely pathogenic. Review status: criteria provided, multiple submitters, no conflicts (2 of 4 stars). 4 submissions from 4 submitters: Pathogenic (2); Likely pathogenic (2). Last evaluated 2026-04-07.

Conditions:
Kniest dysplasia. Identifiers: Orphanet 485, MedGen C0265279, MONDO:0007987, OMIM 156550.
Spondyloepimetaphyseal dysplasia, Strudwick type (SEMDSTWK). Also called: DAPPLED METAPHYSIS SYNDROME; STRUDWICK SYNDROME. Identifiers: Orphanet 93346, MedGen C0700635, MONDO:0008476, OMIM 184250.

Submissions (4):

Clinical Genetics and Genomics, Karolinska University Hospital
Classification: Likely pathogenic for Spondyloepimetaphyseal dysplasia, Strudwick type. Last evaluated: 2026-04-07. Review status: criteria provided, single submitter. Criteria: ACMG Guidelines, 2015. Collection method: clinical testing. Allele origin: unknown. Affected: yes.
Comment: This variant disrupts the triple helix domain of COL2A1. Glycine residues within the Gly-Xaa-Yaa repeats of the triple helix domain are required for the structure and stability of fibrillar collagens (PMID: 7695699, 8218237, 19344236).

CeGaT Center for Human Genetics Tuebingen
Classification: Pathogenic. Last evaluated: 2025-09-01. Review status: criteria provided, single submitter. Criteria: CeGaT Center For Human Genetics Tuebingen Variant Classification Criteria Version 2. Collection method: clinical testing. Allele origin: germline. Affected: yes. Observed: 1 variant allele.
Comment: COL2A1: PM1:Strong, PM2, PS2:Moderate, PM5:Supporting, PP3, PS4:Supporting

Labcorp Genetics (formerly Invitae), Labcorp
Classification: Pathogenic. Last evaluated: 2022-07-26. Review status: criteria provided, single submitter. Criteria: Invitae Variant Classification Sherloc (09022015). Collection method: clinical testing. Allele origin: germline.
Comment: For these reasons, this variant has been classified as Pathogenic. This variant disrupts the p.Gly348 amino acid residue in COL2A1. Other variant(s) that disrupt this residue have been observed in individuals with COL2A1-related conditions (PMID: 29758562), which suggests that this may be a clinically significant amino acid residue. This variant disrupts the triple helix domain of COL2A1. Glycine residues within the Gly-Xaa-Yaa repeats of the triple helix domain are required for the structure and stability of fibrillar collagens (PMID: 7695699, 8218237, 19344236). In COL2A1, variants affecting these glycine residues are significantly enriched in individuals with disease (PMID: 9016532, 17078022) compared to the general population (ExAC). Advanced modeling of protein sequence and biophysical properties (such as structural, functional, and spatial information, amino acid conservation, physicochemical variation, residue mobility, and thermodynamic stability) performed at Invitae indicates that this missense variant is expected to disrupt COL2A1 protein function. ClinVar contains an entry for this variant (Variation ID: 1347701). This missense change has been observed in individuals with autosomal dominant COL2A1-related conditions (PMID: 29620724; Invitae). This variant is not present in population databases (gnomAD no frequency). This sequence change replaces glycine, which is neutral and non-polar, with aspartic acid, which is acidic and polar, at codon 348 of the COL2A1 protein (p.Gly348Asp).

Laboratorio de Genetica e Diagnostico Molecular, Hospital Israelita Albert Einstein
Classification: Likely pathogenic for Kniest dysplasia; Spondyloepimetaphyseal dysplasia, Strudwick type. Last evaluated: 2021-08-17. Review status: criteria provided, single submitter. Criteria: ACMG Guidelines, 2015. Collection method: clinical testing. Allele origin: germline. Affected: yes.
Comment: ACMG classification criteria: PS4 supporting, PM1 strong, PM2 moderate, PM6 supporting, PP3 supporting

Literature cited by the submitters: PubMed 29758562 (cited by Labcorp Genetics (formerly Invitae), Labcorp); PubMed 7695699 (cited by Labcorp Genetics (formerly Invitae), Labcorp); PubMed 8218237 (cited by Labcorp Genetics (formerly Invitae), Labcorp); PubMed 19344236 (cited by Labcorp Genetics (formerly Invitae), Labcorp); PubMed 9016532 (cited by Labcorp Genetics (formerly Invitae), Labcorp); PubMed 17078022 (cited by Labcorp Genetics (formerly Invitae), Labcorp); PubMed 29620724 (cited by Labcorp Genetics (formerly Invitae), Labcorp).

NM_001844.5(COL2A1):c.1043G>A (p.Gly348Asp)

Gene: COL2A1 (collagen type II alpha 1 chain; minus strand). Cytogenetic location: 12q13.11.
Variant type: single nucleotide variant.
Coding change: c.1043G>A on transcript NM_001844.5 (MANE Select); coding-DNA position 1043, G replaced by A.
Protein change: p.Gly348Asp; replaces glycine 348 with aspartic acid.
Molecular consequence: missense variant.
Genome position (GRCh38, 1-based): chr12:47,989,786, C>T on the plus strand (G>A on the coding strand, the complement: COL2A1 is on the minus strand). VCF-style: chr12-47989786-C-T. GRCh37 (hg19) VCF-style: chr12-48383569-C-T.
Other names: c.836G>A, p.Gly279Asp (NM_033150.3); short protein forms G348D, G279D.
Identifiers: ClinVar variation 1347701 (VCV001347701.16), dbSNP rs2136590361, ClinGen allele CA384555457.